The following is an entry in ClinVar:

NM_032608.7(MYO18B):c.3851_3852del (p.Leu1284fs)

Gene: MYO18B (myosin XVIIIB; plus strand). Cytogenetic location: 22q12.1.
Variant type: Deletion.
Coding change: c.3851_3852del on transcript NM_032608.7 (MANE Select); coding-DNA positions 3851 to 3852, 2 bases deleted (TC; older notation c.3851_3852delTC).
Protein change: p.Leu1284fs; shifts the reading frame from leucine 1284.
Molecular consequence: frameshift variant.
Genome position (GRCh38, 1-based): chr22:25,851,545-25,851,546, TC deleted; deleting any 2 consecutive bases within chr22:25,851,544-25,851,546 gives the same sequence; the c. name uses the placement nearest the transcript's 3' end. VCF-style (leftmost placement, unchanged base first): chr22-25851543-GCT-G. GRCh37 (hg19) VCF-style: chr22-26247510-GCT-G.
Other names: c.3854_3855del, p.Leu1285fs (NM_001318245.2); short protein forms L1284fs, L1285fs.
Identifiers: ClinVar variation 2823357 (VCV002823357.3), dbSNP rs2517612562, ClinGen allele CA2739267844.

ClinVar aggregate classification (germline): Pathogenic (1 of 4 stars; one submission).

Submission:

Labcorp Genetics (formerly Invitae), Labcorp
Classification: Pathogenic. Last evaluated: 2023-05-24. Review status: criteria provided, single submitter. Criteria: Invitae Variant Classification Sherloc (09022015). Collection method: clinical testing. Allele origin: germline.
Comment: This sequence change creates a premature translational stop signal (p.Leu1284Hisfs*9) in the MYO18B gene. It is expected to result in an absent or disrupted protein product. Loss-of-function variants in MYO18B are known to be pathogenic (PMID: 25748484, 32184166, 32637634). This variant is not present in population databases (gnomAD no frequency). This variant has not been reported in the literature in individuals affected with MYO18B-related conditions. For these reasons, this variant has been classified as Pathogenic.

Literature cited by the submitters: PubMed 25748484; PubMed 32184166; PubMed 32637634.